The following is an entry in ClinVar:

NM_001199107.2(TBC1D24):c.719T>G (p.Leu240Arg)

Gene: TBC1D24 (TBC1 domain family member 24; plus strand). Cytogenetic location: 16p13.3.
Variant type: single nucleotide variant.
Coding change: c.719T>G on transcript NM_001199107.2 (MANE Select); coding-DNA position 719, T replaced by G.
Protein change: p.Leu240Arg; replaces leucine 240 with arginine.
Molecular consequence: missense variant.
Genome position (GRCh38, 1-based): chr16:2,496,867, T>G. VCF-style: chr16-2496867-T-G. GRCh37 (hg19) VCF-style: chr16-2546868-T-G.
Other names: c.719T>G, p.Leu240Arg (NM_020705.3); short protein forms L240R.
Identifiers: ClinVar variation 2944699 (VCV002944699.3), dbSNP rs2505515756, ClinGen allele CA394377031.

ClinVar aggregate classification (germline): Uncertain significance (1 of 4 stars; one submission).

Conditions:
Autosomal dominant nonsyndromic hearing loss 65. Also called: Deafness, autosomal dominant 65; TBC1D24-Related Autosomal Dominant Nonsyndromic Hearing Loss (DFNA). Identifiers: Orphanet 90635, MedGen C3892048, MONDO:0014470, OMIM 616044.
Developmental and epileptic encephalopathy, 1 (DEE1). Also called: INFANTILE SPASM SYNDROME, X-LINKED 1; X-linked infantile spasms; West's syndrome; Tonic spasms with clustering, arrest of psychomotor development and hypsarrhythmia on EEG; X-Linked Infantile Spasm Syndrome; OHTAHARA SYNDROME, X-LINKED. Identifiers: MedGen C3463992, MONDO:0010632, OMIM 308350. Disease mechanism: loss of function.

Submission:

Labcorp Genetics (formerly Invitae), Labcorp
Classification: Uncertain significance for Developmental and epileptic encephalopathy, 1; Autosomal dominant nonsyndromic hearing loss 65. Last evaluated: 2025-07-08. Review status: criteria provided, single submitter. Criteria: Invitae Variant Classification Sherloc (09022015). Collection method: clinical testing. Allele origin: germline.
Comment: This sequence change replaces leucine, which is neutral and non-polar, with arginine, which is basic and polar, at codon 240 of the TBC1D24 protein (p.Leu240Arg). This variant is not present in population databases (gnomAD no frequency). This variant has not been reported in the literature in individuals affected with TBC1D24-related conditions. ClinVar contains an entry for this variant (Variation ID: 2944699). Invitae Evidence Modeling of protein sequence and biophysical properties (such as structural, functional, and spatial information, amino acid conservation, physicochemical variation, residue mobility, and thermodynamic stability) indicates that this missense variant is expected to disrupt TBC1D24 protein function with a positive predictive value of 95%. In summary, the available evidence is currently insufficient to determine the role of this variant in disease. Therefore, it has been classified as a Variant of Uncertain Significance.